The following is an entry in ClinVar:

NM_017433.5(MYO3A):c.2333T>C (p.Met778Thr)

Gene: MYO3A (myosin IIIA; plus strand). Cytogenetic location: 10p12.1.
Variant type: single nucleotide variant.
Coding change: c.2333T>C on transcript NM_017433.5 (MANE Select); coding-DNA position 2333, T replaced by C.
Protein change: p.Met778Thr; replaces methionine 778 with threonine.
Molecular consequence: missense variant.
Genome position (GRCh38, 1-based): chr10:26,143,518, T>C. VCF-style: chr10-26143518-T-C. GRCh37 (hg19) VCF-style: chr10-26432447-T-C.
Other names: short protein forms M778T.
Identifiers: ClinVar variation 4975621 (VCV004975621.1).

ClinVar aggregate classification (germline): Uncertain significance (1 of 4 stars; one submission).

gnomAD v4.1: 3 of 1,613,882 alleles (0.00019%); highest among the groups gnomAD compares: South Asian, 0.0022%; no homozygotes.

Submission:

GeneDx
Classification: Uncertain significance. Last evaluated: 2026-01-30. Review status: criteria provided, single submitter. Criteria: GeneDx Variant Classification Process June 2021. Collection method: clinical testing. Allele origin: germline.
Comment: Not observed at significant frequency in large population cohorts (gnomAD); In silico analysis supports that this missense variant has a deleterious effect on protein structure/function; Has not been previously published as pathogenic or benign to our knowledge